The following is an entry in ClinVar:

NM_019098.5(CNGB3):c.139A>T (p.Lys47Ter)

Gene: CNGB3 (cyclic nucleotide gated channel subunit beta 3; minus strand). Cytogenetic location: 8q21.3.
Variant type: single nucleotide variant.
Coding change: c.139A>T on transcript NM_019098.5 (MANE Select); coding-DNA position 139, A replaced by T.
Protein change: p.Lys47Ter; replaces lysine 47 with a stop codon.
Molecular consequence: nonsense.
Genome position (GRCh38, 1-based): chr8:86,739,727, T>A on the plus strand (A>T on the coding strand, the complement: CNGB3 is on the minus strand). VCF-style: chr8-86739727-T-A. GRCh37 (hg19) VCF-style: chr8-87751955-T-A.
Other names: short protein forms K47*.
Identifiers: ClinVar variation 2758657 (VCV002758657.3), dbSNP rs2538192041, ClinGen allele CA371456790.

ClinVar aggregate classification (germline): Pathogenic (1 of 4 stars; one submission).

Submission:

Labcorp Genetics (formerly Invitae), Labcorp
Classification: Pathogenic. Last evaluated: 2024-01-29. Review status: criteria provided, single submitter. Criteria: Invitae Variant Classification Sherloc (09022015). Collection method: clinical testing. Allele origin: germline.
Comment: This sequence change creates a premature translational stop signal (p.Lys47*) in the CNGB3 gene. It is expected to result in an absent or disrupted protein product. Loss-of-function variants in CNGB3 are known to be pathogenic (PMID: 28795510). This variant is not present in population databases (gnomAD no frequency). This variant has not been reported in the literature in individuals affected with CNGB3-related conditions. For these reasons, this variant has been classified as Pathogenic.

Literature cited by the submitters: PubMed 28795510.